The following is an entry in ClinVar:

ClinVar aggregate classification (germline): Uncertain significance (1 of 4 stars; one submission).

Conditions:
Inborn genetic diseases. Identifiers: MedGen C0950123, MeSH D030342.

Submission:

Ambry Genetics
Classification: Uncertain significance for Inborn genetic diseases. Last evaluated: 2024-10-28. Review status: criteria provided, single submitter. Criteria: Ambry Variant Classification Scheme 2023. Collection method: clinical testing. Allele origin: germline.
Comment: The p.T612I variant (also known as c.1835C>T), located in coding exon 12 of the CDH2 gene, results from a C to T substitution at nucleotide position 1835. The threonine at codon 612 is replaced by isoleucine, an amino acid with similar properties. This amino acid position is conserved. In addition, this alteration is predicted to be tolerated by in silico analysis. Based on the available evidence, the clinical significance of this variant remains unclear.

NM_001792.5(CDH2):c.1835C>T (p.Thr612Ile)

Gene: CDH2 (cadherin 2; minus strand). Cytogenetic location: 18q12.1.
Variant type: single nucleotide variant.
Coding change: c.1835C>T on transcript NM_001792.5 (MANE Select); coding-DNA position 1835, C replaced by T.
Protein change: p.Thr612Ile; replaces threonine 612 with isoleucine.
Molecular consequence: missense variant.
Genome position (GRCh38, 1-based): chr18:27,985,668, G>A on the plus strand (C>T on the coding strand, the complement: CDH2 is on the minus strand). VCF-style: chr18-27985668-G-A. GRCh37 (hg19) VCF-style: chr18-25565632-G-A.
Other names: c.1742C>T, p.Thr581Ile (NM_001308176.2); short protein forms T581I, T612I.
Identifiers: ClinVar variation 3488862 (VCV003488862.1).
Genomic context (GRCh38, chr18:27,985,668, plus strand): 5'-GGATCAATGTCATAATCAAGTGCTGTAATATTAATTGAATTGGGGTCTGGAGTTTCGCAA[G>A]TCTCTGCCTCTTGAGGTAACACTTGAGGGGCATTGTCATTAATATCAAGTAAATAGATCT-3'
Protein context (NP_001783.2, residues 602-622): APQVLPQEAE[Thr612Ile]CETPDPNSIN